The following is an entry in ClinVar:

NM_000183.3(HADHB):c.1189T>C (p.Trp397Arg)

Gene: HADHB (hydroxyacyl-CoA dehydrogenase trifunctional multienzyme complex subunit beta; plus strand). Cytogenetic location: 2p23.3.
Variant type: single nucleotide variant.
Coding change: c.1189T>C on transcript NM_000183.3 (MANE Select); coding-DNA position 1189, T replaced by C.
Protein change: p.Trp397Arg; replaces tryptophan 397 with arginine.
Molecular consequence: missense variant.
Genome position (GRCh38, 1-based): chr2:26,284,922, T>C. VCF-style: chr2-26284922-T-C. GRCh37 (hg19) VCF-style: chr2-26507790-T-C.
Other names: c.1144T>C, p.Trp382Arg (NM_001281512.2); c.1123T>C, p.Trp375Arg (NM_001281513.2); short protein forms W382R, W375R, W397R.
Identifiers: ClinVar variation 3659048 (VCV003659048.2).
Genomic context (GRCh38, chr2:26,284,922, plus strand): 5'-TTCGATTATTTTCTCTTCCAGGGTCAGATTTTGGCAAATTTTAAAGCCATGGATTCTGAT[T>C]GGTTTGCAGAAAACTACATGGGTAGAAAAACCAAGGTGAGTTTCTAATTTTAAAAAATGC-3'
Protein context (NP_000174.1, residues 387-407): LANFKAMDSD[Trp397Arg]FAENYMGRKT

ClinVar aggregate classification (germline): Uncertain significance (1 of 4 stars; one submission).

Conditions:
Mitochondrial trifunctional protein deficiency. Identifiers: Orphanet 746, MedGen C1969443, MONDO:0012172.

Submission:

Labcorp Genetics (formerly Invitae), Labcorp
Classification: Uncertain significance for Mitochondrial trifunctional protein deficiency. Last evaluated: 2024-07-08. Review status: criteria provided, single submitter. Criteria: Invitae Variant Classification Sherloc (09022015). Collection method: clinical testing. Allele origin: germline.
Comment: This sequence change replaces tryptophan, which is neutral and slightly polar, with arginine, which is basic and polar, at codon 397 of the HADHB protein (p.Trp397Arg). This variant is not present in population databases (gnomAD no frequency). This variant has not been reported in the literature in individuals affected with HADHB-related conditions. An algorithm developed to predict the effect of missense changes on protein structure and function (PolyPhen-2) suggests that this variant is likely to be disruptive. In summary, the available evidence is currently insufficient to determine the role of this variant in disease. Therefore, it has been classified as a Variant of Uncertain Significance.